The following is an entry in ClinVar:

ClinVar aggregate classification (germline): Uncertain significance (1 of 4 stars; one submission).

Submission:

Labcorp Genetics (formerly Invitae), Labcorp
Classification: Uncertain significance. Last evaluated: 2025-05-26. Review status: criteria provided, single submitter. Criteria: Invitae Variant Classification Sherloc (09022015). Collection method: clinical testing. Allele origin: germline.
Comment: This sequence change replaces leucine, which is neutral and non-polar, with valine, which is neutral and non-polar, at codon 728 of the TNNI3K protein (p.Leu728Val). This variant is not present in population databases (gnomAD no frequency). This variant has not been reported in the literature in individuals affected with TNNI3K-related conditions. An algorithm developed to predict the effect of missense changes on protein structure and function (PolyPhen-2) suggests that this variant is likely to be tolerated. In summary, the available evidence is currently insufficient to determine the role of this variant in disease. Therefore, it has been classified as a Variant of Uncertain Significance.

NM_015978.3(TNNI3K):c.2182C>G (p.Leu728Val)

Genes: TNNI3K (TNNI3 interacting kinase; plus strand), FPGT-TNNI3K (FPGT-TNNI3K readthrough; plus strand), LRRC53 (leucine rich repeat containing 53; minus strand). Cytogenetic location: 1p31.1.
Variant type: single nucleotide variant.
Coding change: c.2182C>G on transcript NM_015978.3 (MANE Select); coding-DNA position 2182, C replaced by G.
Protein change: p.Leu728Val; replaces leucine 728 with valine.
Molecular consequence: missense variant. On other transcripts: intron variant (2).
Genome position (GRCh38, 1-based): chr1:74,492,097, C>G. VCF-style: chr1-74492097-C-G. GRCh37 (hg19) VCF-style: chr1-74957781-C-G.
Other names: c.2485C>G, p.Leu829Val (NM_001112808.3); c.-8-11129G>C (NM_001364666.2); c.-26-8722G>C (NM_001382280.1); short protein forms L728V, L829V.
Identifiers: ClinVar variation 4720259 (VCV004720259.1).